The following is an entry in ClinVar:

ClinVar aggregate classification (germline): Uncertain significance (1 of 4 stars; one submission).

Conditions:
Hereditary nonpolyposis colorectal neoplasms. Identifiers: MedGen C0009405, MeSH D003123.

Submission:

Labcorp Genetics (formerly Invitae), Labcorp
Classification: Uncertain significance for Hereditary nonpolyposis colorectal neoplasms. Last evaluated: 2025-08-18. Review status: criteria provided, single submitter. Criteria: Invitae Variant Classification Sherloc (09022015). Collection method: clinical testing. Allele origin: germline.
Comment: This sequence change replaces threonine, which is neutral and polar, with serine, which is neutral and polar, at codon 121 of the PMS2 protein (p.Thr121Ser). This variant is not present in population databases (gnomAD no frequency). This variant has not been reported in the literature in individuals affected with PMS2-related conditions. Invitae Evidence Modeling incorporating data from in vitro experimental studies (internal data) indicates that this missense variant is not expected to disrupt PMS2 function with a negative predictive value of 95%. In summary, the available evidence is currently insufficient to determine the role of this variant in disease. Therefore, it has been classified as a Variant of Uncertain Significance.

NM_000535.7(PMS2):c.361A>T (p.Thr121Ser)

Gene: PMS2 (PMS1 homolog 2, mismatch repair system component; minus strand). Cytogenetic location: 7p22.1.
Variant type: single nucleotide variant.
Coding change: c.361A>T on transcript NM_000535.7 (MANE Select); coding-DNA position 361, A replaced by T.
Protein change: p.Thr121Ser; replaces threonine 121 with serine.
Molecular consequence: missense variant. On other transcripts: 5 prime UTR variant (29), non-coding transcript variant (1), intron variant (1).
Genome position (GRCh38, 1-based): chr7:6,002,629, T>A on the plus strand (A>T on the coding strand, the complement: PMS2 is on the minus strand). VCF-style: chr7-6002629-T-A. GRCh37 (hg19) VCF-style: chr7-6042260-T-A.
Other names: c.-45A>T (NM_001322003.2, NM_001322004.2, NM_001322005.2 and 24 more transcripts); c.361A>T, p.Thr121Ser (NM_001322006.2, NM_001322014.2, NM_001406869.1 and 8 more transcripts); c.43A>T, p.Thr15Ser (NM_001322007.2, NM_001322008.2, NM_001406876.1 and 4 more transcripts); c.-524A>T (NM_001322011.2, NM_001322012.2); c.52A>T, p.Thr18Ser (NM_001322015.2, NM_001406875.1, NM_001406877.1 and 6 more transcripts); c.547A>T, p.Thr183Ser (NM_001406866.1); c.385A>T, p.Thr129Ser (NM_001406868.1); c.250+1343A>T (NM_001406885.1); short protein forms T121S, T15S, T129S, T183S, T18S.
Identifiers: ClinVar variation 4711217 (VCV004711217.1).